The following is an entry in ClinVar:

NM_024537.4(CARS2):c.1591C>T (p.Arg531Trp)

Gene: CARS2 (cysteinyl-tRNA synthetase 2, mitochondrial; minus strand). Cytogenetic location: 13q34.
Variant type: single nucleotide variant.
Coding change: c.1591C>T on transcript NM_024537.4 (MANE Select); coding-DNA position 1591, C replaced by T.
Protein change: p.Arg531Trp; replaces arginine 531 with tryptophan.
Molecular consequence: missense variant. On other transcripts: non-coding transcript variant (2).
Genome position (GRCh38, 1-based): chr13:110,642,347, G>A on the plus strand (C>T on the coding strand, the complement: CARS2 is on the minus strand). VCF-style: chr13-110642347-G-A. GRCh37 (hg19) VCF-style: chr13-111294694-G-A.
Other names: c.805C>T, p.Arg269Trp (NM_001352252.2); c.1591C>T (NM_024537.3); short protein forms R269W, R531W.
Identifiers: ClinVar variation 1429328 (VCV001429328.7), dbSNP rs566143026, ClinGen allele CA7051598.

ClinVar aggregate classification (germline): Uncertain significance. Review status: criteria provided, multiple submitters, no conflicts (2 of 4 stars). 2 submissions from 2 submitters: Uncertain significance (2). Last evaluated 2024-11-18.

Conditions:
Combined oxidative phosphorylation defect type 27. Also called: Combined oxidative phosphorylation deficiency 27. Identifiers: Orphanet 477774, MedGen C5567608, MONDO:0014728, OMIM 616672.

Allele frequency attached by ClinVar (database versions not stated): gnomAD 0.00001 and 0.00002; TOPMed 0.00001; gnomAD exomes 0.00002 and 0.00006; ExAC 0.00014; 1000 Genomes Project 30x 0.00016; 1000 Genomes Project 0.00020.
gnomAD v4.1: 27 of 1,551,678 alleles (0.0017%); highest among the groups gnomAD compares: South Asian, 0.0095%; no homozygotes.

Submissions (2):

Labcorp Genetics (formerly Invitae), Labcorp
Classification: Uncertain significance for Combined oxidative phosphorylation defect type 27. Last evaluated: 2024-11-18. Review status: criteria provided, single submitter. Criteria: Invitae Variant Classification Sherloc (09022015). Collection method: clinical testing. Allele origin: germline.
Comment: This sequence change replaces arginine, which is basic and polar, with tryptophan, which is neutral and slightly polar, at codon 531 of the CARS2 protein (p.Arg531Trp). This variant is present in population databases (rs566143026, gnomAD 0.03%). This variant has not been reported in the literature in individuals affected with CARS2-related conditions. ClinVar contains an entry for this variant (Variation ID: 1429328). Invitae Evidence Modeling of protein sequence and biophysical properties (such as structural, functional, and spatial information, amino acid conservation, physicochemical variation, residue mobility, and thermodynamic stability) indicates that this missense variant is not expected to disrupt CARS2 protein function with a negative predictive value of 80%. In summary, the available evidence is currently insufficient to determine the role of this variant in disease. Therefore, it has been classified as a Variant of Uncertain Significance.

Women's Health and Genetics/Laboratory Corporation of America, LabCorp
Classification: Uncertain significance. Last evaluated: 2023-06-22. Review status: criteria provided, single submitter. Criteria: LabCorp Variant Classification Summary - May 2015. Collection method: clinical testing. Allele origin: germline.
Comment: Variant summary: CARS2 c.1591C>T (p.Arg531Trp) results in a non-conservative amino acid change in the encoded protein sequence. Three of five in-silico tools predict a damaging effect of the variant on protein function. The variant allele was found at a frequency of 5.7e-05 in 157864 control chromosomes in gnomAD. The available data on variant occurrences in the general population are insufficient to allow any conclusion about variant significance. To our knowledge, no occurrence of c.1591C>T in individuals affected with Combined Oxidative Phosphorylation Defect Type 27 and no experimental evidence demonstrating its impact on protein function have been reported. One submitter has cited clinical-significance assessment for this variant to ClinVar after 2014 and has classified the variant as uncertain significance. Based on the evidence outlined above, the variant was classified as uncertain significance.